The following is an entry in ClinVar:

NM_001242882.2(NAXD):c.861C>T (p.Ala287=)

Gene: NAXD (NAD(P)HX dehydratase; plus strand). Cytogenetic location: 13q34.
Variant type: single nucleotide variant.
Coding change: c.861C>T on transcript NM_001242882.2 (MANE Select); coding-DNA position 861, C replaced by T.
Protein change: p.Ala287=; no amino-acid change (alanine 287 retained).
Molecular consequence: synonymous variant. On other transcripts: missense variant (1), non-coding transcript variant (2).
Genome position (GRCh38, 1-based): chr13:110,638,399, C>T. VCF-style: chr13-110638399-C-T. GRCh37 (hg19) VCF-style: chr13-111290746-C-T.
Other names: c.915C>T, p.Ala305= (NM_001242881.2); c.585C>T, p.Ala195= (NM_001242883.2); c.1051C>T, p.Arg351Cys (NM_018210.4); short protein forms R351C.
Identifiers: ClinVar variation 2177388 (VCV002177388.2), dbSNP rs369081588, ClinGen allele CA7051444.

ClinVar aggregate classification (germline): Uncertain significance (1 of 4 stars; one submission).

Allele frequency attached by ClinVar (database versions not stated): ExAC 0.00006; ESP Exome Variant Server 0.00008; TOPMed 0.00008; gnomAD 0.00010; 1000 Genomes Project 30x 0.00031; 1000 Genomes Project 0.00040.
gnomAD v4.1: 63 of 1,613,738 alleles (0.0039%); highest among the groups gnomAD compares: Admixed American, 0.038%; no homozygotes.

Submission:

Labcorp Genetics (formerly Invitae), Labcorp
Classification: Uncertain significance. Last evaluated: 2024-11-11. Review status: criteria provided, single submitter. Criteria: Invitae Variant Classification Sherloc (09022015). Collection method: clinical testing. Allele origin: germline.
Comment: This sequence change replaces arginine, which is basic and polar, with cysteine, which is neutral and slightly polar, at codon 351 of the NAXD protein (p.Arg351Cys). This variant is present in population databases (rs369081588, gnomAD 0.05%). This variant has not been reported in the literature in individuals affected with NAXD-related conditions. ClinVar contains an entry for this variant (Variation ID: 2177388). An algorithm developed to predict the effect of missense changes on protein structure and function outputs the following: PolyPhen-2: "Benign". The cysteine amino acid residue is found in multiple mammalian species, which suggests that this missense change does not adversely affect protein function. In summary, the available evidence is currently insufficient to determine the role of this variant in disease. Therefore, it has been classified as a Variant of Uncertain Significance.